The following is an entry in ClinVar:

NM_006092.4(NOD1):c.2285+90G>A

Gene: NOD1 (nucleotide binding oligomerization domain containing 1; minus strand). Cytogenetic location: 7p14.3.
Variant type: single nucleotide variant.
Coding change: c.2285+90G>A on transcript NM_006092.4 (MANE Select); 90 bases into the intron after coding-DNA position 2285, G replaced by A.
Molecular consequence: intron variant.
Genome position (GRCh38, 1-based): chr7:30,448,208, C>T on the plus strand (G>A on the coding strand, the complement: NOD1 is on the minus strand). VCF-style: chr7-30448208-C-T. GRCh37 (hg19) VCF-style: chr7-30487824-C-T.
Other names: c.2285+90G>A (NM_001354849.2).
Identifiers: ClinVar variation 103101 (VCV000103101.2), dbSNP rs199476267, ClinGen allele CA230118.

ClinVar aggregate classification (germline): not provided (0 of 4 stars; one submission).

Allele frequency attached by ClinVar (database versions not stated): gnomAD exomes 0.00001; TOPMed 0.00003; gnomAD 0.00004.
gnomAD v4.1: 19 of 1,101,702 alleles (0.0017%); highest among the groups gnomAD compares: East Asian, 0.026%; no homozygotes.

Submission:

Human Evolutionary Genetics, Institut Pasteur
No classification provided. Review status: no classification provided. Collection method: not provided. Allele origin: germline.
ClinVar note: Converted during submission from untested to not provided.